The following is an entry in ClinVar:

ClinVar aggregate classification (germline): Uncertain significance (1 of 4 stars; one submission).

Allele frequency attached by ClinVar (database versions not stated): gnomAD exomes below 0.00001.
gnomAD v4.1: 2 of 1,598,178 alleles (0.00013%); highest among the groups gnomAD compares: Non-Finnish European, 0.00017%; no homozygotes.

Submission:

Labcorp Genetics (formerly Invitae), Labcorp
Classification: Uncertain significance. Last evaluated: 2022-09-06. Review status: criteria provided, single submitter. Criteria: Invitae Variant Classification Sherloc (09022015). Collection method: clinical testing. Allele origin: germline.
Comment: In summary, the available evidence is currently insufficient to determine the role of this variant in disease. Therefore, it has been classified as a Variant of Uncertain Significance. Algorithms developed to predict the effect of missense changes on protein structure and function (SIFT, PolyPhen-2, Align-GVGD) all suggest that this variant is likely to be tolerated. This variant has not been reported in the literature in individuals affected with NFKB1-related conditions. This variant is not present in population databases (gnomAD no frequency). This sequence change replaces methionine, which is neutral and non-polar, with isoleucine, which is neutral and non-polar, at codon 578 of the NFKB1 protein (p.Met578Ile).

NM_003998.4(NFKB1):c.1734G>A (p.Met578Ile)

Genes: NFKB1 (nuclear factor kappa B subunit 1; plus strand), LOC126807127 (CDK7 strongly-dependent group 2 enhancer GRCh37_chr4:103521788-103522987; plus strand). Cytogenetic location: 4q24.
Variant type: single nucleotide variant.
Coding change: c.1734G>A on transcript NM_003998.4 (MANE Select); coding-DNA position 1734, G replaced by A.
Protein change: p.Met578Ile; replaces methionine 578 with isoleucine.
Molecular consequence: missense variant.
Genome position (GRCh38, 1-based): chr4:102,600,991, G>A. VCF-style: chr4-102600991-G-A. GRCh37 (hg19) VCF-style: chr4-103522148-G-A.
Other names: c.1731G>A, p.Met577Ile (NM_001165412.2, NM_001319226.2, NM_001382627.1); c.1734G>A, p.Met578Ile (NM_001382625.1, NM_001382626.1); c.1692G>A, p.Met564Ile (NM_001382628.1); short protein forms M578I, M564I, M577I.
Identifiers: ClinVar variation 2020877 (VCV002020877.4), dbSNP rs2476518004, ClinGen allele CA357751772.
Genomic context (GRCh38, chr4:102,600,991, plus strand): 5'-ACTTGTGAGGGATCTACTAGAAGTCACATCTGGTTTGATTTCTGATGACATTATCAACAT[G>A]AGAAATGATCTGTACCAGGTAAGCAGAAATCTCAAGAAAACAACTGAAGAAAAATCTGTA-3'
Protein context (NP_003989.2, residues 568-588): SGLISDDIIN[Met578Ile]RNDLYQTPLH